The following is an entry in ClinVar:

NM_013314.4(BLNK):c.744C>T (p.Ala248=)

Gene: BLNK (B cell linker; minus strand). Cytogenetic location: 10q24.1.
Variant type: single nucleotide variant.
Coding change: c.744C>T on transcript NM_013314.4 (MANE Select); coding-DNA position 744, C replaced by T.
Protein change: p.Ala248=; no amino-acid change (alanine 248 retained).
Molecular consequence: synonymous variant. On other transcripts: non-coding transcript variant (3).
Genome position (GRCh38, 1-based): chr10:96,209,840, G>A on the plus strand (C>T on the coding strand, the complement: BLNK is on the minus strand). VCF-style: chr10-96209840-G-A. GRCh37 (hg19) VCF-style: chr10-97969596-G-A.
Other names: c.675C>T, p.Ala225= (NM_001114094.2, NM_001258441.2); c.744C>T, p.Ala248= (NM_001258440.2); c.429C>T, p.Ala143= (NM_001258442.2).
Identifiers: ClinVar variation 747288 (VCV000747288.34), dbSNP rs147455437, ClinGen allele CA5623342.

ClinVar aggregate classification (germline): Benign/Likely benign. Review status: criteria provided, multiple submitters, no conflicts (2 of 4 stars). 3 submissions from 3 submitters: Benign (1); Likely benign (2). Last evaluated 2025-10-15.

Conditions:
Agammaglobulinemia 4, autosomal recessive (AGM4). Also called: AGAMMAGLOBULINEMIA, AUTOSOMAL RECESSIVE, DUE TO BLNK DEFECT; B cell linker protein deficiency. Identifiers: MedGen C3150752, MONDO:0013289, OMIM 613502.

Allele frequency attached by ClinVar (database versions not stated): TOPMed 0.00007; gnomAD 0.00013 and 0.00005; ESP Exome Variant Server 0.00015; gnomAD exomes 0.00022 and 0.00043; ExAC 0.00049; 1000 Genomes Project 0.00100; 1000 Genomes Project 30x 0.00125.
gnomAD v4.1: 343 of 1,614,210 alleles (0.021%); highest among the groups gnomAD compares: South Asian, 0.24%; 1 homozygote.

Submissions (3):

Labcorp Genetics (formerly Invitae), Labcorp
Classification: Benign for Agammaglobulinemia 4, autosomal recessive. Last evaluated: 2025-10-15. Review status: criteria provided, single submitter. Criteria: Invitae Variant Classification Sherloc (09022015). Collection method: clinical testing. Allele origin: germline.

Blueprint Genetics
Classification: Likely benign. Last evaluated: 2024-02-08. Review status: criteria provided, single submitter. Criteria: ACMG Guidelines, 2015. Collection method: clinical testing. Allele origin: germline.

CeGaT Center for Human Genetics Tuebingen
Classification: Likely benign. Last evaluated: 2023-09-01. Review status: criteria provided, single submitter. Criteria: CeGaT Center For Human Genetics Tuebingen Variant Classification Criteria Version 2. Collection method: clinical testing. Allele origin: germline. Affected: yes. Observed: 1 variant allele.
Comment: BLNK: BP4, BP7